The following is an entry in ClinVar:

ClinVar aggregate classification (germline): Conflicting classifications of pathogenicity. Review status: criteria provided, conflicting classifications (1 of 4 stars). 2 submissions from 2 submitters: Uncertain significance (1); Likely benign (1). Last evaluated 2023-11-07.

Conditions:
Arrhythmogenic cardiomyopathy with wooly hair and keratoderma. Also called: Dilated cardiomyopathy with woolly hair and keratoderma; Carvajal syndrome; Arrhythmogenic cardiomyopathy with woolly hair and keratoderma; PALMOPLANTAR KERATODERMA WITH LEFT VENTRICULAR CARDIOMYOPATHY AND WOOLLY HAIR. Identifiers: Orphanet 65282, MedGen C1854063, MONDO:0011581, OMIM 605676.
Arrhythmogenic right ventricular dysplasia 8 (ARVD8). Also called: Arrhythmogenic Right Ventricular Dysplasia/Cardiomyopathy 8; ARRHYTHMOGENIC RIGHT VENTRICULAR DYSPLASIA, FAMILIAL, 8; ARRHYTHMOGENIC RIGHT VENTRICULAR CARDIOMYOPATHY 8. Identifiers: MedGen C1843896, MONDO:0011831, OMIM 607450.

Allele frequency attached by ClinVar (database versions not stated): TOPMed below 0.00001.
gnomAD v4.1: 3 of 1,613,840 alleles (0.00019%); highest among the groups gnomAD compares: Non-Finnish European, 0.00025%; no homozygotes.

Submissions (2):

Blueprint Genetics
Classification: Likely benign. Last evaluated: 2023-11-07. Review status: criteria provided, single submitter. Criteria: ACMG Guidelines, 2015. Collection method: clinical testing. Allele origin: germline.

Labcorp Genetics (formerly Invitae), Labcorp
Classification: Uncertain significance for Arrhythmogenic cardiomyopathy with wooly hair and keratoderma; Arrhythmogenic right ventricular dysplasia 8. Last evaluated: 2022-07-19. Review status: criteria provided, single submitter. Criteria: Invitae Variant Classification Sherloc (09022015). Collection method: clinical testing. Allele origin: germline.
Comment: This sequence change falls in intron 6 of the DSP gene. It does not directly change the encoded amino acid sequence of the DSP protein. This variant is not present in population databases (gnomAD no frequency). This variant has not been reported in the literature in individuals affected with DSP-related conditions. Algorithms developed to predict the effect of sequence changes on RNA splicing suggest that this variant may disrupt the consensus splice site. In summary, the available evidence is currently insufficient to determine the role of this variant in disease. Therefore, it has been classified as a Variant of Uncertain Significance.

NM_004415.4(DSP):c.778-12C>T

Gene: DSP (desmoplakin; plus strand). Cytogenetic location: 6p24.3.
Variant type: single nucleotide variant.
Coding change: c.778-12C>T on transcript NM_004415.4 (MANE Select); 12 bases into the intron before coding-DNA position 778, C replaced by T.
Molecular consequence: intron variant.
Genome position (GRCh38, 1-based): chr6:7,565,347, C>T. VCF-style: chr6-7565347-C-T. GRCh37 (hg19) VCF-style: chr6-7565580-C-T.
Other names: c.778-12C>T (NM_001319034.2, NM_001008844.3).
Identifiers: ClinVar variation 2167255 (VCV002167255.5), dbSNP rs1442052300, ClinGen allele CA828074113.
Genomic context (GRCh38, chr6:7,565,347, plus strand): 5'-TCTTTAAACCTGCAGAGAACACCAGTCACTGCATATTGTTATTTTAATGCTGCCTTTGAA[C>T]CTCCTGTGCAGAAAGCGTCCTTTGAGAGGATGGATCACCTGCGACAGCTGCAGAACATCA-3'